The following is an entry in ClinVar:

NM_001165963.4(SCN1A):c.3188C>T (p.Ser1063Phe)

Genes: SCN1A (sodium voltage-gated channel alpha subunit 1; minus strand), LOC102724058 (uncharacterized LOC102724058; plus strand). Cytogenetic location: 2q24.3.
Variant type: single nucleotide variant.
Coding change: c.3188C>T on transcript NM_001165963.4 (MANE Select); coding-DNA position 3188, C replaced by T.
Protein change: p.Ser1063Phe; replaces serine 1063 with phenylalanine.
Molecular consequence: missense variant. On other transcripts: non-coding transcript variant (2).
Genome position (GRCh38, 1-based): chr2:166,036,289, G>A on the plus strand (C>T on the coding strand, the complement: SCN1A is on the minus strand). VCF-style: chr2-166036289-G-A. GRCh37 (hg19) VCF-style: chr2-166892799-G-A.
Other names: c.3104C>T, p.Ser1035Phe (NM_001165964.3, NM_001353957.2, NM_001353958.2); c.3188C>T, p.Ser1063Phe (NM_001202435.3, NM_001353948.2); c.3155C>T, p.Ser1052Phe (NM_001353949.2, NM_001353950.2, NM_001353951.2 and 2 more transcripts); c.3152C>T, p.Ser1051Phe (NM_001353954.2, NM_001353955.2); c.3101C>T, p.Ser1034Phe (NM_001353960.2); c.746C>T, p.Ser249Phe (NM_001353961.2); short protein forms S1034F, S1035F, S1051F, S1052F, S1063F, S249F.
Identifiers: ClinVar variation 1311488 (VCV001311488.2), dbSNP rs2105795201, ClinGen allele CA349059613.

ClinVar aggregate classification (germline): Uncertain significance (1 of 4 stars; one submission).

Submission:

GeneDx
Classification: Uncertain significance. Last evaluated: 2020-01-23. Review status: criteria provided, single submitter. Criteria: GeneDx Variant Classification Process June 2021. Collection method: clinical testing. Allele origin: germline. Affected: yes.
Comment: Not observed in large population cohorts (Lek et al., 2016); The majority of missense variants in this gene are considered pathogenic (Stenson et al., 2014); In silico analysis, which includes protein predictors and evolutionary conservation, supports a deleterious effect; Has not been previously published as pathogenic or benign to our knowledge; This substitution is predicted to be in the cytoplasmic loop between the second and third homologous domains